The following is an entry in ClinVar:

ClinVar aggregate classification (germline): Uncertain significance (1 of 4 stars; one submission).

Conditions:
Amyotrophic lateral sclerosis type 4 (ALS4). Also called: NEURONOPATHY, DISTAL HEREDITARY MOTOR, WITH PYRAMIDAL FEATURES; AMYOTROPHIC LATERAL SCLEROSIS 4, JUVENILE. Identifiers: Orphanet 357043, MedGen C1865409, MONDO:0011223, OMIM 602433.
Spinocerebellar ataxia, autosomal recessive, with axonal neuropathy 2 (SCAN2). Also called: Ataxia-ocular apraxia-2; ATAXIA-OCULOMOTOR APRAXIA 2; Ataxia with Oculomotor Apraxia; Ataxia with Oculomotor Apraxia Type 2. Identifiers: Orphanet 64753, MedGen C1853761, MONDO:0018996, OMIM 606002.

Allele frequency attached by ClinVar (database versions not stated): gnomAD exomes below 0.00001.
gnomAD v4.1: 1 of 1,613,944 alleles (0.000062%); highest among the groups gnomAD compares: Non-Finnish European, 0.000085%; no homozygotes.

Submission:

Labcorp Genetics (formerly Invitae), Labcorp
Classification: Uncertain significance for Amyotrophic lateral sclerosis type 4; Spinocerebellar ataxia, autosomal recessive, with axonal neuropathy 2. Last evaluated: 2022-01-23. Review status: criteria provided, single submitter. Criteria: Invitae Variant Classification Sherloc (09022015). Collection method: clinical testing. Allele origin: germline.
Comment: This variant has not been reported in the literature in individuals affected with SETX-related conditions. In summary, the available evidence is currently insufficient to determine the role of this variant in disease. Therefore, it has been classified as a Variant of Uncertain Significance. Algorithms developed to predict the effect of missense changes on protein structure and function are either unavailable or do not agree on the potential impact of this missense change (SIFT: "Tolerated"; PolyPhen-2: "Probably Damaging"; Align-GVGD: "Class C0"). This variant is not present in population databases (gnomAD no frequency). This sequence change replaces methionine, which is neutral and non-polar, with isoleucine, which is neutral and non-polar, at codon 382 of the SETX protein (p.Met382Ile).

NM_015046.7(SETX):c.1146G>A (p.Met382Ile)

Gene: SETX (senataxin; minus strand). Cytogenetic location: 9q34.13.
Variant type: single nucleotide variant.
Coding change: c.1146G>A on transcript NM_015046.7 (MANE Select); coding-DNA position 1146, G replaced by A.
Protein change: p.Met382Ile; replaces methionine 382 with isoleucine.
Molecular consequence: missense variant.
Genome position (GRCh38, 1-based): chr9:132,330,452, C>T on the plus strand (G>A on the coding strand, the complement: SETX is on the minus strand). VCF-style: chr9-132330452-C-T. GRCh37 (hg19) VCF-style: chr9-135205839-C-T.
Other names: c.1146G>A, p.Met382Ile (NM_001351527.2, NM_001351528.2); short protein forms M382I.
Identifiers: ClinVar variation 1944839 (VCV001944839.5), dbSNP rs1423737702, ClinGen allele CA375345427.